The following is an entry in ClinVar:

NM_032638.5(GATA2):c.798C>T (p.His266=)

Gene: GATA2 (GATA binding protein 2; minus strand). Cytogenetic location: 3q21.3.
Variant type: single nucleotide variant.
Coding change: c.798C>T on transcript NM_032638.5 (MANE Select); coding-DNA position 798, C replaced by T.
Protein change: p.His266=; no amino-acid change (histidine 266 retained).
Molecular consequence: synonymous variant.
Genome position (GRCh38, 1-based): chr3:128,485,800, G>A on the plus strand (C>T on the coding strand, the complement: GATA2 is on the minus strand). VCF-style: chr3-128485800-G-A. GRCh37 (hg19) VCF-style: chr3-128204643-G-A.
Other names: c.798C>T, p.His266= (NM_001145661.2, NM_001145662.1).
Identifiers: ClinVar variation 2938929 (VCV002938929.4), dbSNP rs866323045, ClinGen allele CA435763825.
Genomic context (GRCh38, chr3:128,485,800, plus strand): 5'-AGCCTTGCTGCGCTGCTTAGGGGTGAAGCTGGAGGCCGGTCCCCCCAGGAAGCCTCCGGG[G>A]TGGAAGAGTCCGCTGCTGTAGTCGTGGGCAGCCGCCGGCACATAGGAGGGGTAGGTGGGG-3'
Protein context (NP_116027.2, residues 256-276): AAHDYSSGLF[His266=]PGGFLGGPAS

ClinVar aggregate classification (germline): Likely benign. Review status: criteria provided, multiple submitters, no conflicts (2 of 4 stars). 2 submissions from 2 submitters: Likely benign (2). Last evaluated 2024-11-05.

Conditions:
Deafness-lymphedema-leukemia syndrome. Also called: Lymphedema, primary, with myelodysplasia; Emberger syndrome. Identifiers: Orphanet 3226, MedGen C3279664, MONDO:0013540, OMIM 614038.
Monocytopenia with susceptibility to infections. Also called: MONOCYTOPENIA AND MYCOBACTERIAL INFECTION SYNDROME; MONOCYTOPENIA WITH SUSCEPTIBILITY TO MYCOBACTERIAL, FUNGAL, AND PAPILLOMAVIRUS INFECTIONS AND MYELODYSPLASIA; COMBINED IMMUNODEFICIENCY WITH SUSCEPTIBILITY TO MYCOBACTERIAL, VIRAL, AND FUNGAL INFECTIONS; Dendritic cell, monocyte, B lymphocyte, and natural killer lymphocyte deficiency; IMMUNODEFICIENCY 21; GATA2 DEFICIENCY. Identifiers: Orphanet 228423, MedGen C3280030, MONDO:0013607, OMIM 614172.

gnomAD v4.1: 4 of 1,614,048 alleles (0.00025%); highest among the groups gnomAD compares: Non-Finnish European, 0.00017%; no homozygotes.

Submissions (2):

Women's Health and Genetics/Laboratory Corporation of America, LabCorp
Classification: Likely benign. Last evaluated: 2024-11-05. Review status: criteria provided, single submitter. Criteria: LabCorp Variant Classification Summary - May 2015. Collection method: clinical testing. Allele origin: germline.
Comment: Variant summary: GATA2 c.798C>T alters a conserved nucleotide resulting in a synonymous change. The variant was absent in 249798 control chromosomes. The available data on variant occurrences in the general population are insufficient to allow any conclusion about variant significance. To our knowledge, no occurrence of c.798C>T in individuals affected with GATA2-Related Disorders and no experimental evidence demonstrating its impact on protein function have been reported. ClinVar contains an entry for this variant (Variation ID: 2938929). Based on the evidence outlined above, the variant was classified as likely benign.

Labcorp Genetics (formerly Invitae), Labcorp
Classification: Likely benign for Monocytopenia with susceptibility to infections; Deafness-lymphedema-leukemia syndrome. Last evaluated: 2023-07-06. Review status: criteria provided, single submitter. Criteria: Invitae Variant Classification Sherloc (09022015). Collection method: clinical testing. Allele origin: germline.